The following is an entry in ClinVar:

NM_001363.5(DKC1):c.329G>A (p.Arg110Gln)

Gene: DKC1 (dyskerin pseudouridine synthase 1; plus strand). Cytogenetic location: Xq28.
Variant type: single nucleotide variant.
Coding change: c.329G>A on transcript NM_001363.5 (MANE Select); coding-DNA position 329, G replaced by A.
Protein change: p.Arg110Gln; replaces arginine 110 with glutamine.
Molecular consequence: missense variant. On other transcripts: non-coding transcript variant (3).
Genome position (GRCh38, 1-based): chrX:154,766,281, G>A. VCF-style: chrX-154766281-G-A. GRCh37 (hg19) VCF-style: chrX-153994556-G-A.
Other names: c.329G>A, p.Arg110Gln (NM_001142463.3, NM_001288747.2); short protein forms R110Q.
Identifiers: ClinVar variation 2632874 (VCV002632874.1), dbSNP rs2523681605, ClinGen allele CA414889678.

ClinVar aggregate classification (germline): Uncertain significance (1 of 4 stars; one submission).

Conditions:
DKC1-related disorder. Also called: DKC1-related condition. Identifiers: MedGen CN294808, MONDO:0100152.

Submission:

PreventionGenetics, part of Exact Sciences
Classification: Uncertain significance for DKC1-related condition. Last evaluated: 2023-05-11. Review status: criteria provided, single submitter. Criteria: ACMG Guidelines, 2015. Collection method: clinical testing. Allele origin: germline.
Comment: The DKC1 c.329G>A variant is predicted to result in the amino acid substitution p.Arg110Gln. To our knowledge, this variant has not been reported in the literature or in a large population database, indicating this variant is rare. At this time, the clinical significance of this variant is uncertain due to the absence of conclusive functional and genetic evidence.